The following is an entry in ClinVar:

NM_138694.4(PKHD1):c.888A>T (p.Pro296=)

Gene: PKHD1 (PKHD1 ciliary IPT domain containing fibrocystin/polyductin; minus strand). Cytogenetic location: 6p12.2.
Variant type: single nucleotide variant.
Coding change: c.888A>T on transcript NM_138694.4 (MANE Select); coding-DNA position 888, A replaced by T.
Protein change: p.Pro296=; no amino-acid change (proline 296 retained).
Molecular consequence: synonymous variant.
Genome position (GRCh38, 1-based): chr6:52,065,043, T>A on the plus strand (A>T on the coding strand, the complement: PKHD1 is on the minus strand). VCF-style: chr6-52065043-T-A. GRCh37 (hg19) VCF-style: chr6-51929841-T-A.
Other names: p.Pro296=; c.888A>T, p.Pro296= (NM_170724.3).
Identifiers: ClinVar variation 220081 (VCV000220081.28), dbSNP rs76012218, ClinGen allele CA350423.

ClinVar aggregate classification (germline): Benign/Likely benign. Review status: criteria provided, multiple submitters, no conflicts (2 of 4 stars). 9 submissions from 9 submitters: Benign (2); Likely benign (5). 2 of the submissions do not count toward it. Last evaluated 2026-02-04.

Conditions:
Autosomal recessive polycystic kidney disease (ARPKD). Also called: AR polycystic kidney disease. Identifiers: Orphanet 731, Orphanet 8378, MedGen C0085548, MeSH D017044, MONDO:0009889.
Polycystic kidney disease. Also called: Polycystic kidney dysplasia; Kidney, Polycystic. Identifiers: MedGen C0022680, MeSH D007690, MONDO:0020642, HP:0000113.

Allele frequency attached by ClinVar (database versions not stated): gnomAD exomes 0.00239; ExAC 0.00291; gnomAD 0.00916; ESP Exome Variant Server 0.00961; TOPMed 0.01010; 1000 Genomes Project 0.01218; 1000 Genomes Project 30x 0.01265.
gnomAD v4.1: 2,557 of 1,581,134 alleles (0.16%); highest among the groups gnomAD compares: African/African-American, 3%; 33 homozygotes.

Submissions (9):

Labcorp Genetics (formerly Invitae), Labcorp
Classification: Benign for Autosomal recessive polycystic kidney disease. Last evaluated: 2026-02-04. Review status: criteria provided, single submitter. Criteria: Invitae Variant Classification Sherloc (09022015). Collection method: clinical testing. Allele origin: germline.

Mayo Clinic Laboratories, Mayo Clinic
Classification: Likely benign. Last evaluated: 2025-07-12. Review status: criteria provided, single submitter. Criteria: ACMG Guidelines, 2015. Collection method: clinical testing. Allele origin: germline. Observed: 13 variant alleles.
Comment: BS2, BP4, BP7

Blueprint Genetics
Classification: Likely benign. Last evaluated: 2024-11-26. Review status: criteria provided, single submitter. Criteria: ACMG Guidelines, 2015. Collection method: clinical testing. Allele origin: germline.

GeneDx
Classification: Likely benign. Last evaluated: 2021-02-16. Review status: criteria provided, single submitter. Criteria: GeneDx Variant Classification Process June 2021. Collection method: clinical testing. Allele origin: germline. Affected: yes.

Illumina Laboratory Services, Illumina
Classification: Likely benign for Polycystic kidney disease 4. Last evaluated: 2018-01-13. Review status: criteria provided, single submitter. Criteria: ICSL Variant Classification Criteria 13 December 2019. Collection method: clinical testing. Allele origin: germline.
Comment: This variant was observed in the ICSL laboratory as part of a predisposition screen in an ostensibly healthy population. It had not been previously curated by ICSL or reported in the Human Gene Mutation Database (HGMD: prior to June 1st, 2018), and was therefore a candidate for classification through an automated scoring system. Utilizing variant allele frequency, disease prevalence and penetrance estimates, and inheritance mode, an automated score was calculated to assess if this variant is too frequent to cause the disease. Based on the score and internal cut-off values, a variant classified as likely benign is not then subjected to further curation. The score for this variant resulted in a classification of likely benign for this disease.

Breakthrough Genomics
Classification: Likely benign. Review status: criteria provided, single submitter. Criteria: ACMG Guidelines, 2015. Collection method: not provided. Allele origin: germline. Inheritance: Autosomal recessive inheritance. Affected: yes.

PreventionGenetics, part of Exact Sciences
Classification: Benign. Review status: criteria provided, single submitter. Criteria: ACMG Guidelines, 2015. Collection method: clinical testing. Allele origin: germline.

Natera, Inc.
Classification: Benign for Autosomal recessive polycystic kidney disease. Last evaluated: 2017-05-11. Review status: no assertion criteria provided. Collection method: clinical testing. Allele origin: germline. Not counted in ClinVar's aggregate classification.

Department of Pathology and Laboratory Medicine, Sinai Health System
Classification: Likely benign for Polycystic Kidney disease. Review status: no assertion criteria provided. Collection method: clinical testing. Allele origin: unknown. Affected: yes. Study: The Canadian Open Genetics Repository (COGR). Not counted in ClinVar's aggregate classification.
Comment: The PKHD1 p.Pro296= variant was not identified in the literature nor was it identified in the GeneInsight-COGR, LOVD 3.0, databases. The variant was identified in dbSNP (ID: rs76012218) as With Benign allele, ClinVar (classified as benign by Invitae and Prevention Genetics), RWTH AAachen University ARPKD, databases. The variant was identified in control databases in 809 of 274254 chromosomes (13 homozygous) at a frequency of 0.003 increasing the likelihood this could be a low frequency benign variant (Genome Aggregation Database Feb 27, 2017). Breakdown of the observations by population include African in 717 of 23442 chromosomes (freq: 0.03), Other in 13 of 6372 chromosomes (freq: 0.002), Latino in 57 of 34292 chromosomes (freq: 0.002), European in 19 of 125570 chromosomes (freq: 0.0002), Ashkenazi Jewish in 2 of 10134 chromosomes (freq: 0.0002), and South Asian in 1 of 30782 chromosomes (freq: 0.00003), while the variant was not observed in the East Asian, Finnish, populations. The p.Pro296= variant is not expected to have clinical significance because it does not result in a change of amino acid and is not located in a known consensus splice site. The variant occurs outside of the splicing consensus sequence and 1 of 5 in silico or computational prediction software programs (SpliceSiteFinder, MaxEntScan, NNSPLICE, GeneSplicer, HumanSpliceFinder) predict a greater than 10% difference in splicing; this is not very predictive of pathogenicity. In summary, based on the above information, the clinical significance of this variant cannot be determined with certainty at this time although we would lean towards a more benign role for this variant. This variant is classified as likely benign.

Literature cited by the submitters: PubMed 15108277 (cited by Mayo Clinic Laboratories, Mayo Clinic).